The following is an entry in ClinVar:

NM_138413.4(HOGA1):c.535C>T (p.Pro179Ser)

Gene: HOGA1 (4-hydroxy-2-oxoglutarate aldolase 1; plus strand). Cytogenetic location: 10q24.2.
Variant type: single nucleotide variant.
Coding change: c.535C>T on transcript NM_138413.4 (MANE Select); coding-DNA position 535, C replaced by T.
Protein change: p.Pro179Ser; replaces proline 179 with serine.
Molecular consequence: missense variant. On other transcripts: intron variant (1).
Genome position (GRCh38, 1-based): chr10:97,599,746, C>T. VCF-style: chr10-97599746-C-T. GRCh37 (hg19) VCF-style: chr10-99359503-C-T.
Other names: c.212-2111C>T (NM_001134670.2); short protein forms P179S.
Identifiers: ClinVar variation 2664136 (VCV002664136.1), dbSNP rs374327791, ClinGen allele CA212673030.

ClinVar aggregate classification (germline): Uncertain significance (1 of 4 stars; one submission).

Conditions:
Primary hyperoxaluria type 3. Also called: PH III. Identifiers: Orphanet 416, Orphanet 93600, MedGen C3150878, MONDO:0013327, OMIM 613616. Disease mechanism: loss of function.

Allele frequency attached by ClinVar (database versions not stated): gnomAD exomes below 0.00001; gnomAD 0.00001; ESP Exome Variant Server 0.00008.

Submission:

Rare Kidney Stone Consortium and the Mayo Clinic Hyperoxaluria Center, Mayo Clinic
Classification: Uncertain significance for Primary hyperoxaluria type 3. Last evaluated: 2023-10-27. Review status: criteria provided, single submitter. Criteria: ACMG Guidelines, 2015. Collection method: curation. Allele origin: germline.
Comment: ACMG:PM2 PM5

Literature cited by the submitters: PubMed 25644115.